The following is an entry in ClinVar:

ClinVar aggregate classification (germline): Uncertain significance. Review status: criteria provided, multiple submitters, no conflicts (2 of 4 stars). 2 submissions from 2 submitters: Uncertain significance (2). Last evaluated 2025-12-24.

Conditions:
Multiple endocrine neoplasia, type 2 (MEN2). Identifiers: Orphanet 653, MedGen C4048306, MONDO:0019003. Disease mechanism: gain of function.

gnomAD v4.1: 6 of 1,613,738 alleles (0.00037%); highest among the groups gnomAD compares: African/African-American, 0.0013%; no homozygotes.

Submissions (2):

Labcorp Genetics (formerly Invitae), Labcorp
Classification: Uncertain significance for Multiple endocrine neoplasia, type 2. Last evaluated: 2025-12-24. Review status: criteria provided, single submitter. Criteria: Invitae Variant Classification Sherloc (09022015). Collection method: clinical testing. Allele origin: germline.
Comment: This sequence change replaces threonine, which is neutral and polar, with alanine, which is neutral and non-polar, at codon 1055 of the RET protein (p.Thr1055Ala). The frequency data for this variant in the population databases is considered unreliable, as metrics indicate poor data quality at this position in the gnomAD database. This variant has not been reported in the literature in individuals affected with RET-related conditions. ClinVar contains an entry for this variant (Variation ID: 3387607). An algorithm developed to predict the effect of missense changes on protein structure and function (PolyPhen-2) suggests that this variant is likely to be disruptive. In summary, the available evidence is currently insufficient to determine the role of this variant in disease. Therefore, it has been classified as a Variant of Uncertain Significance.

All of Us Research Program, National Institutes of Health
Classification: Uncertain significance for Multiple endocrine neoplasia, type 2. Last evaluated: 2024-07-10. Review status: criteria provided, single submitter. Criteria: ACMG Guidelines, 2015. Collection method: clinical testing. Allele origin: germline. Inheritance: Autosomal dominant inheritance. Observed: 1 variant allele, 1 heterozygote.
Comment: This missense variant replaces threonine with alanine at codon 1055 of the RET protein. Computational prediction suggests that this variant may have deleterious impact on protein structure and function (internally defined REVEL score threshold >= 0.7, PMID: 27666373). To our knowledge, functional studies have not been reported for this variant. This variant has not been reported in individuals affected with RET-related disorders in the literature. This variant has been identified in 1/251330 chromosomes in the general population by the Genome Aggregation Database (gnomAD). The available evidence is insufficient to determine the role of this variant in disease conclusively. Therefore, this variant is classified as a Variant of Uncertain Significance.

This study involves interpretation of variants in research participants for the purpose of population health screening. Participant phenotype was not available at the time of variant classification. Additional details can be found in publication PMID: 35346344, PMCID: PMC8962531

NM_020975.6(RET):c.3163A>G (p.Thr1055Ala)

Gene: RET (ret proto-oncogene; plus strand). Cytogenetic location: 10q11.21.
Variant type: single nucleotide variant.
Coding change: c.3163A>G on transcript NM_020975.6 (MANE Select); coding-DNA position 3163, A replaced by G.
Protein change: p.Thr1055Ala; replaces threonine 1055 with alanine.
Molecular consequence: missense variant. On other transcripts: intron variant (4).
Genome position (GRCh38, 1-based): chr10:43,126,698, A>G. VCF-style: chr10-43126698-A-G. GRCh37 (hg19) VCF-style: chr10-43622146-A-G.
Other names: c.2401A>G, p.Thr801Ala (NM_001355216.2); c.3163A>G, p.Thr1055Ala (NM_001406743.1, NM_001406744.1, NM_020630.7); c.3034A>G, p.Thr1012Ala (NM_001406761.1, NM_001406762.1, NM_001406764.1); c.3028A>G, p.Thr1010Ala (NM_001406763.1, NM_001406765.1); c.2875A>G, p.Thr959Ala (NM_001406766.1, NM_001406767.1, NM_001406770.1); c.2899A>G, p.Thr967Ala (NM_001406768.1); c.2767A>G, p.Thr923Ala (NM_001406769.1, NM_001406772.1); c.2725A>G, p.Thr909Ala (NM_001406771.1, NM_001406773.1); and 13 more; short protein forms T1010A, T1012A, T1055A, T572A, T620A, T660A, T711A, T713A.
Identifiers: ClinVar variation 3387607 (VCV003387607.2).